The following is an entry in ClinVar:

NM_001110556.2(FLNA):c.6310G>A (p.Val2104Ile)

Gene: FLNA (filamin A; minus strand). Cytogenetic location: Xq28.
Variant type: single nucleotide variant.
Coding change: c.6310G>A on transcript NM_001110556.2 (MANE Select); coding-DNA position 6310, G replaced by A.
Protein change: p.Val2104Ile; replaces valine 2104 with isoleucine.
Molecular consequence: missense variant.
Genome position (GRCh38, 1-based): chrX:154,352,841, C>T on the plus strand (G>A on the coding strand, the complement: FLNA is on the minus strand). VCF-style: chrX-154352841-C-T. GRCh37 (hg19) VCF-style: chrX-153581209-C-T.
Other names: c.6286G>A, p.Val2096Ile (NM_001456.4); short protein forms V2104I, V2096I.
Identifiers: ClinVar variation 646098 (VCV000646098.1), dbSNP rs782722036, ClinGen allele CA10560118.

ClinVar aggregate classification (germline): Uncertain significance (1 of 4 stars; one submission).

Conditions:
Heterotopia, periventricular, X-linked dominant (PVNH1). Also called: PERIVENTRICULAR NODULAR HETEROTOPIA 4; HETEROTOPIA, PERIVENTRICULAR, 1; PERIVENTRICULAR NODULAR HETEROTOPIA 1; X-linked periventricular heterotopia. Identifiers: Orphanet 2149, Orphanet 82004, MedGen C1848213, MONDO:0010233, OMIM 300049.
Oto-palato-digital syndrome, type II (OPD2). Also called: Otopalatodigital Syndrome, Type II; FACIOPALATOOSSEOUS SYNDROME; OPD II SYNDROME; Otopalatodigital Syndrome Type 2 (FLNA-OPD2). Identifiers: Orphanet 669, Orphanet 90652, MedGen C1844696, MONDO:0010571, OMIM 304120.
Frontometaphyseal dysplasia 1 (FMD1). Also called: Frontometaphyseal Dysplasia (FLNA-FMD). Identifiers: Orphanet 1826, MedGen C4281559, MONDO:0024550, OMIM 305620.
Melnick-Needles syndrome (MNS). Also called: MELNICK-NEEDLES OSTEODYSPLASTY; OSTEODYSPLASTY OF MELNICK AND NEEDLES; Melnick-Needles Syndrome (FLNA-MNS). Identifiers: Orphanet 2484, MedGen C0025237, MONDO:0010650, OMIM 309350.

Allele frequency attached by ClinVar (database versions not stated): gnomAD exomes below 0.00001; ExAC 0.00001; 1000 Genomes Project 0.00026.
gnomAD v4.1: 1 of 1,211,219 alleles (0.000083%); highest among the groups gnomAD compares: Non-Finnish European, 0.00011%; no homozygotes.

Submission:

Labcorp Genetics (formerly Invitae), Labcorp
Classification: Uncertain significance for Oto-palato-digital syndrome, type II; Periventricular nodular heterotopia 1; Frontometaphyseal dysplasia; Melnick-Needles syndrome. Last evaluated: 2018-11-28. Review status: criteria provided, single submitter. Criteria: Invitae Variant Classification Sherloc (09022015). Collection method: clinical testing. Allele origin: germline.
Comment: This sequence change replaces valine with isoleucine at codon 2096 of the FLNA protein (p.Val2096Ile). The valine residue is highly conserved and there is a small physicochemical difference between valine and isoleucine. The frequency data for this variant in the population databases is considered unreliable, as metrics indicate poor data quality at this position in the ExAC database. This variant has not been reported in the literature in individuals with FLNA-related conditions. Algorithms developed to predict the effect of missense changes on protein structure and function (SIFT, PolyPhen-2, Align-GVGD) all suggest that this variant is likely to be disruptive, but these predictions have not been confirmed by published functional studies and their clinical significance is uncertain. In summary, the available evidence is currently insufficient to determine the role of this variant in disease. Therefore, it has been classified as a Variant of Uncertain Significance.